The following is an entry in ClinVar:

NM_000632.4(ITGAM):c.889C>T (p.Arg297Cys)

Gene: ITGAM (integrin subunit alpha M; plus strand). Cytogenetic location: 16p11.2.
Variant type: single nucleotide variant.
Coding change: c.889C>T on transcript NM_000632.4 (MANE Select); coding-DNA position 889, C replaced by T.
Protein change: p.Arg297Cys; replaces arginine 297 with cysteine.
Molecular consequence: missense variant.
Genome position (GRCh38, 1-based): chr16:31,275,579, C>T. VCF-style: chr16-31275579-C-T. GRCh37 (hg19) VCF-style: chr16-31286900-C-T.
Other names: c.889C>T, p.Arg297Cys (NM_001145808.2); c.889C>T (NM_000632.3); short protein forms R297C.
Identifiers: ClinVar variation 1431410 (VCV001431410.9), dbSNP rs199508009, ClinGen allele CA8025368.

ClinVar aggregate classification (germline): Uncertain significance. Review status: criteria provided, multiple submitters, no conflicts (2 of 4 stars). 2 submissions from 2 submitters: Uncertain significance (2). Last evaluated 2025-04-05.

Allele frequency attached by ClinVar (database versions not stated): gnomAD exomes 0.00004 and 0.00006; gnomAD 0.00005 and 0.00006; TOPMed 0.00006; ExAC 0.00007; ESP Exome Variant Server 0.00008.
gnomAD v4.1: 70 of 1,613,814 alleles (0.0043%); highest among the groups gnomAD compares: African/African-American, 0.008%; no homozygotes.

Submissions (2):

Labcorp Genetics (formerly Invitae), Labcorp
Classification: Uncertain significance. Last evaluated: 2025-04-05. Review status: criteria provided, single submitter. Criteria: Invitae Variant Classification Sherloc (09022015). Collection method: clinical testing. Allele origin: germline.
Comment: This sequence change replaces arginine, which is basic and polar, with cysteine, which is neutral and slightly polar, at codon 297 of the ITGAM protein (p.Arg297Cys). This variant is present in population databases (rs199508009, gnomAD 0.02%). This variant has not been reported in the literature in individuals affected with ITGAM-related conditions. ClinVar contains an entry for this variant (Variation ID: 1431410). An algorithm developed to predict the effect of missense changes on protein structure and function (PolyPhen-2) suggests that this variant is likely to be disruptive. In summary, the available evidence is currently insufficient to determine the role of this variant in disease. Therefore, it has been classified as a Variant of Uncertain Significance.

Ambry Genetics
Classification: Uncertain significance. Last evaluated: 2024-01-09. Review status: criteria provided, single submitter. Criteria: Ambry Variant Classification Scheme 2023. Collection method: clinical testing. Allele origin: germline.